The following is an entry in ClinVar:

NM_012431.3(SEMA3E):c.1337G>A (p.Gly446Asp)

Gene: SEMA3E (semaphorin 3E; minus strand). Cytogenetic location: 7q21.11.
Variant type: single nucleotide variant.
Coding change: c.1337G>A on transcript NM_012431.3 (MANE Select); coding-DNA position 1337, G replaced by A.
Protein change: p.Gly446Asp; replaces glycine 446 with aspartic acid.
Molecular consequence: missense variant.
Genome position (GRCh38, 1-based): chr7:83,400,057, C>T on the plus strand (G>A on the coding strand, the complement: SEMA3E is on the minus strand). VCF-style: chr7-83400057-C-T. GRCh37 (hg19) VCF-style: chr7-83029373-C-T.
Other names: c.1157G>A, p.Gly386Asp (NM_001178129.2); c.1337G>A (NM_012431.2); short protein forms G386D, G446D.
Identifiers: ClinVar variation 1036462 (VCV001036462.9), dbSNP rs1788207145, ClinGen allele CA367927135.
Genomic context (GRCh38, chr7:83,400,057, plus strand): 5'-AATATCTCTGAGTACTTTCTCGTCTCTTTACCTGTCCCAATAAACAAGACGTCATATTGG[C>T]CATCCTCAGCTTCCACTCGATCTACTGCTATTTGTTTCAGGTTATATTTTCCATCTGTTT-3'
Protein context (NP_036563.1, residues 436-456): IAVDRVEAED[Gly446Asp]QYDVLFIGTD

ClinVar aggregate classification (germline): Uncertain significance. Review status: criteria provided, multiple submitters, no conflicts (2 of 4 stars). 2 submissions from 2 submitters: Uncertain significance (2). Last evaluated 2025-04-02.

Conditions:
CHARGE syndrome (CHARGE). Also called: Hittner Hirsch Kreh syndrome; Coloboma, heart anomaly, choanal atresia, retardation, genital and ear anomalies; CHARGE association; Hall-Hittner syndrome; CHARGE ASSOCIATION--COLOBOMA, HEART ANOMALY, CHOANAL ATRESIA, RETARDATION, GENITAL AND EAR ANOMALIES. Identifiers: Orphanet 138, MedGen C0265354, MONDO:0008965.

Allele frequency attached by ClinVar (database versions not stated): TOPMed below 0.00001; gnomAD 0.00001; gnomAD exomes 0.00001.
gnomAD v4.1: 9 of 1,613,594 alleles (0.00056%); highest among the groups gnomAD compares: Admixed American, 0.015%; no homozygotes.

Submissions (2):

Ambry Genetics
Classification: Uncertain significance. Last evaluated: 2025-04-02. Review status: criteria provided, single submitter. Criteria: Ambry Variant Classification Scheme 2023. Collection method: clinical testing. Allele origin: germline.

Labcorp Genetics (formerly Invitae), Labcorp
Classification: Uncertain significance for CHARGE syndrome. Last evaluated: 2024-05-25. Review status: criteria provided, single submitter. Criteria: Invitae Variant Classification Sherloc (09022015). Collection method: clinical testing. Allele origin: germline.
Comment: This sequence change replaces glycine, which is neutral and non-polar, with aspartic acid, which is acidic and polar, at codon 446 of the SEMA3E protein (p.Gly446Asp). This variant is not present in population databases (gnomAD no frequency). This variant has not been reported in the literature in individuals affected with SEMA3E-related conditions. ClinVar contains an entry for this variant (Variation ID: 1036462). Advanced modeling of protein sequence and biophysical properties (such as structural, functional, and spatial information, amino acid conservation, physicochemical variation, residue mobility, and thermodynamic stability) has been performed at Invitae for this missense variant, however the output from this modeling did not meet the statistical confidence thresholds required to predict the impact of this variant on SEMA3E protein function. In summary, the available evidence is currently insufficient to determine the role of this variant in disease. Therefore, it has been classified as a Variant of Uncertain Significance.